The following is an entry in ClinVar:

ClinVar aggregate classification (germline): Uncertain significance (1 of 4 stars; one submission).

Conditions:
Nephronophthisis. Also called: Juvenile Nephronophthisis. Identifiers: Orphanet 655, MedGen C0687120, MONDO:0019005, HP:0000090.

Submission:

Labcorp Genetics (formerly Invitae), Labcorp
Classification: Uncertain significance for Nephronophthisis. Last evaluated: 2021-10-05. Review status: criteria provided, single submitter. Criteria: Invitae Variant Classification Sherloc (09022015). Collection method: clinical testing. Allele origin: germline.
Comment: This sequence change replaces arginine with serine at codon 497 of the IQCB1 protein (p.Arg497Ser). The arginine residue is moderately conserved and there is a moderate physicochemical difference between arginine and serine. This variant is not present in population databases (ExAC no frequency). This variant has not been reported in the literature in individuals affected with IQCB1-related conditions. Algorithms developed to predict the effect of missense changes on protein structure and function are either unavailable or do not agree on the potential impact of this missense change (SIFT: "Tolerated"; PolyPhen-2: "Probably Damaging"; Align-GVGD: "Class C0"). In summary, the available evidence is currently insufficient to determine the role of this variant in disease. Therefore, it has been classified as a Variant of Uncertain Significance.

NM_001023570.4(IQCB1):c.1491G>T (p.Arg497Ser)

Gene: IQCB1 (IQ motif containing B1; minus strand). Cytogenetic location: 3q13.33.
Variant type: single nucleotide variant.
Coding change: c.1491G>T on transcript NM_001023570.4 (MANE Select); coding-DNA position 1491, G replaced by T.
Protein change: p.Arg497Ser; replaces arginine 497 with serine.
Molecular consequence: missense variant. On other transcripts: non-coding transcript variant (1).
Genome position (GRCh38, 1-based): chr3:121,772,633, C>A on the plus strand (G>T on the coding strand, the complement: IQCB1 is on the minus strand). VCF-style: chr3-121772633-C-A. GRCh37 (hg19) VCF-style: chr3-121491480-C-A.
Other names: c.1092G>T, p.Arg364Ser (NM_001023571.4); c.1491G>T, p.Arg497Ser (NM_001319107.2); short protein forms R364S, R497S.
Identifiers: ClinVar variation 998779 (VCV000998779.4), dbSNP rs1346401319, ClinGen allele CA354110117.